The following is an entry in ClinVar:

ClinVar aggregate classification (germline): Pathogenic. Review status: criteria provided, multiple submitters, no conflicts (2 of 4 stars). 3 submissions from 3 submitters: Pathogenic (3). Last evaluated 2023-03-07.

Conditions:
Nemaline myopathy 2 (NEM2). Also called: Nemaline myopathy 2, autosomal recessive. Identifiers: MedGen C1850569, MONDO:0009725, OMIM 256030.
Arthrogryposis multiplex congenita 6. Identifiers: MedGen C5543431, MONDO:0030281, OMIM 619334.

Submissions (3):

Baylor Genetics
Classification: Pathogenic for Arthrogryposis multiplex congenita 6. Last evaluated: 2023-03-07. Review status: criteria provided, single submitter. Criteria: ACMG Guidelines, 2015. Collection method: clinical testing. Allele origin: unknown.

Labcorp Genetics (formerly Invitae), Labcorp
Classification: Pathogenic for Nemaline myopathy 2. Last evaluated: 2022-01-15. Review status: criteria provided, single submitter. Criteria: Invitae Variant Classification Sherloc (09022015). Collection method: clinical testing. Allele origin: germline.
Comment: For these reasons, this variant has been classified as Pathogenic. This premature translational stop signal has been observed in individual(s) with nemaline myopathy (PMID: 25205138). This variant is present in population databases (rs753192734, gnomAD 0.003%). This sequence change creates a premature translational stop signal (p.Arg7970Serfs*9) in the NEB gene. It is expected to result in an absent or disrupted protein product. Loss-of-function variants in NEB are known to be pathogenic (PMID: 25205138).

Kariminejad - Najmabadi Pathology & Genetics Center
Classification: Pathogenic for Nemaline myopathy 2. Review status: criteria provided, single submitter. Criteria: ACMG Guidelines, 2015. Collection method: clinical testing. Allele origin: germline. Affected: no.

Literature cited by the submitters: PubMed 25205138 (cited by Labcorp Genetics (formerly Invitae), Labcorp).

NM_001164508.2(NEB):c.23805_23806del (p.Arg7935fs)

Genes: NEB (nebulin; minus strand), RIF1 (replication timing regulatory factor 1; plus strand). Cytogenetic location: 2q23.3.
Variant type: Microsatellite.
Coding change: c.23805_23806del on transcript NM_001164508.2 (MANE Select); coding-DNA positions 23805 to 23806, 2 bases deleted (AG; older notation c.23805_23806delAG).
Protein change: p.Arg7935fs; shifts the reading frame from arginine 7935.
Molecular consequence: frameshift variant.
Genome position (GRCh38, 1-based): chr2:151,503,378-151,503,379, CT deleted on the plus strand (AG on the coding strand, the reverse complement: NEB is on the minus strand); deleting any 2 consecutive bases within chr2:151,503,378-151,503,384 gives the same sequence; the c. name uses the placement nearest the transcript's 3' end. VCF-style (leftmost placement, unchanged base first): chr2-151503377-ACT-A. GRCh37 (hg19) VCF-style: chr2-152359891-ACT-A.
Other names: c.23910_23911delAG (NM_001271208.2); c.23805_23806del, p.Arg7935fs (NM_001164507.2); c.23910_23911del, p.Arg7970fs (NM_001271208.2); c.18702_18703del, p.Arg6234fs (NM_004543.5); short protein forms R6234fs, R7935fs, R7970fs.
Identifiers: ClinVar variation 1072267 (VCV001072267.9), dbSNP rs753192734, ClinGen allele CA1906239.